The following is an entry in ClinVar:

ClinVar aggregate classification (germline): Uncertain significance. Review status: criteria provided, multiple submitters, no conflicts (2 of 4 stars). 2 submissions from 2 submitters: Uncertain significance (2). Last evaluated 2023-06-08.

Conditions:
Familial thoracic aortic aneurysm and aortic dissection (TAAD). Also called: Thoracic aortic aneurysms and dissections. Identifiers: Orphanet 91387, MedGen C4707243, MONDO:0019625.

Allele frequency attached by ClinVar (database versions not stated): gnomAD exomes below 0.00001.
gnomAD v4.1: 1 of 1,613,842 alleles (0.000062%); highest among the groups gnomAD compares: Non-Finnish European, 0.000085%; no homozygotes.

Submissions (2):

All of Us Research Program, National Institutes of Health
Classification: Uncertain significance for Familial thoracic aortic aneurysm and aortic dissection. Last evaluated: 2023-06-08. Review status: criteria provided, single submitter. Criteria: ACMG Guidelines, 2015. Collection method: clinical testing. Allele origin: germline. Inheritance: Autosomal dominant inheritance. Observed: 1 variant allele, 1 heterozygote.
Comment: This missense variant replaces proline with serine at codon 174 of the ACTA2 protein. Computational prediction suggests that this variant may have deleterious impact on protein structure and function (internally defined REVEL score threshold >= 0.7, PMID: 27666373). To our knowledge, functional studies have not been reported for this variant. This variant has not been reported in individuals affected with cardiovascular disorders in the literature. This variant has not been identified in the general population by the Genome Aggregation Database (gnomAD). The available evidence is insufficient to determine the role of this variant in disease conclusively. Therefore, this variant is classified as a Variant of Uncertain Significance.

This study involves interpretation of variants in research participants for the purpose of population health screening. Participant phenotype was not available at the time of variant classification. Additional details can be found in publication PMID: 35346344, PMCID: PMC8962531

Ambry Genetics
Classification: Uncertain significance for Familial thoracic aortic aneurysm and aortic dissection. Last evaluated: 2020-10-20. Review status: criteria provided, single submitter. Criteria: Ambry Variant Classification Scheme 2023. Collection method: clinical testing. Allele origin: germline.
Comment: The p.P174S variant (also known as c.520C>T), located in coding exon 5 of the ACTA2 gene, results from a C to T substitution at nucleotide position 520. The proline at codon 174 is replaced by serine, an amino acid with similar properties. This amino acid position is highly conserved in available vertebrate species. In addition, this alteration is predicted to be deleterious by in silico analysis. Since supporting evidence is limited at this time, the clinical significance of this alteration remains unclear.

NM_001613.4(ACTA2):c.520C>T (p.Pro174Ser)

Gene: ACTA2 (actin alpha 2, smooth muscle; minus strand). Cytogenetic location: 10q23.31.
Variant type: single nucleotide variant.
Coding change: c.520C>T on transcript NM_001613.4 (MANE Select); coding-DNA position 520, C replaced by T.
Protein change: p.Pro174Ser; replaces proline 174 with serine.
Molecular consequence: missense variant.
Genome position (GRCh38, 1-based): chr10:88,941,325, G>A on the plus strand (C>T on the coding strand, the complement: ACTA2 is on the minus strand). VCF-style: chr10-88941325-G-A. GRCh37 (hg19) VCF-style: chr10-90701082-G-A.
Other names: c.520C>T, p.Pro174Ser (NM_001141945.3, NM_001320855.2, NM_001406462.1 and 3 more transcripts); c.409C>T, p.Pro137Ser (NM_001406466.1); c.391C>T, p.Pro131Ser (NM_001406467.1, NM_001406468.1, NM_001406469.1); short protein forms P131S, P174S, P137S.
Identifiers: ClinVar variation 1746090 (VCV001746090.3), dbSNP rs2494538385, ClinGen allele CA377512237.